The following is an entry in ClinVar:

ClinVar aggregate classification (germline): Uncertain significance (1 of 4 stars; one submission).

gnomAD v4.1: 4 of 1,614,052 alleles (0.00025%); highest among the groups gnomAD compares: Non-Finnish European, 0.00034%; no homozygotes.

Submission:

Labcorp Genetics (formerly Invitae), Labcorp
Classification: Uncertain significance. Last evaluated: 2024-11-25. Review status: criteria provided, single submitter. Criteria: Invitae Variant Classification Sherloc (09022015). Collection method: clinical testing. Allele origin: germline.
Comment: This sequence change replaces lysine, which is basic and polar, with threonine, which is neutral and polar, at codon 644 of the BNC2 protein (p.Lys644Thr). This variant is present in population databases (no rsID available, gnomAD 0.007%). This variant has not been reported in the literature in individuals affected with BNC2-related conditions. An algorithm developed to predict the effect of missense changes on protein structure and function (PolyPhen-2) suggests that this variant is likely to be disruptive. In summary, the available evidence is currently insufficient to determine the role of this variant in disease. Therefore, it has been classified as a Variant of Uncertain Significance.

NM_017637.6(BNC2):c.1931A>C (p.Lys644Thr)

Genes: BNC2 (basonuclin zinc finger protein 2; minus strand), LOC126860585 (MED14-independent group 3 enhancer GRCh37_chr9:16435259-16436458; plus strand). Cytogenetic location: 9p22.3.
Variant type: single nucleotide variant.
Coding change: c.1931A>C on transcript NM_017637.6 (MANE Select); coding-DNA position 1931, A replaced by C.
Protein change: p.Lys644Thr; replaces lysine 644 with threonine.
Molecular consequence: missense variant.
Genome position (GRCh38, 1-based): chr9:16,436,263, T>G on the plus strand (A>C on the coding strand, the complement: BNC2 is on the minus strand). VCF-style: chr9-16436263-T-G. GRCh37 (hg19) VCF-style: chr9-16436261-T-G.
Other names: c.1805A>C, p.Lys602Thr (NM_001317939.2); c.1646A>C, p.Lys549Thr (NM_001317940.2); short protein forms K549T, K602T, K644T.
Identifiers: ClinVar variation 3616761 (VCV003616761.2).